The following is an entry in ClinVar:

NM_000478.6(ALPL):c.562T>C (p.Ser188Pro)

Gene: ALPL (alkaline phosphatase, biomineralization associated; plus strand). Cytogenetic location: 1p36.12.
Variant type: single nucleotide variant.
Coding change: c.562T>C on transcript NM_000478.6 (MANE Select); coding-DNA position 562, T replaced by C.
Protein change: p.Ser188Pro; replaces serine 188 with proline.
Molecular consequence: missense variant.
Genome position (GRCh38, 1-based): chr1:21,564,130, T>C. VCF-style: chr1-21564130-T-C. GRCh37 (hg19) VCF-style: chr1-21890623-T-C.
Other names: c.397T>C, p.Ser133Pro (NM_001127501.4); c.331T>C, p.Ser111Pro (NM_001177520.3); c.562T>C, p.Ser188Pro (NM_001369803.2, NM_001369804.2, NM_001369805.2); short protein forms S111P, S133P, S188P.
Identifiers: ClinVar variation 4086818 (VCV004086818.1).
Genomic context (GRCh38, chr1:21,564,130, plus strand): 5'-AGAGTGAACCATGCCACCCCCAGCGCCGCCTACGCCCACTCGGCTGACCGGGACTGGTAC[T>C]CAGACAACGAGATGCCCCCTGAGGCCTTGAGCCAGGGCTGTAAGGACATCGCCTACCAGC-3'
Protein context (NP_000469.3, residues 178-198): YAHSADRDWY[Ser188Pro]DNEMPPEALS

ClinVar aggregate classification (germline): Pathogenic (1 of 4 stars; one submission).

Conditions:
Hypophosphatasia. Also called: Phosphoethanol-aminuria. Identifiers: Orphanet 436, MedGen C0020630, MeSH D007014, MONDO:0018570.

Submission:

Genomenon, Inc
Classification: Pathogenic for Hypophosphatasia. Last evaluated: 2025-08-29. Review status: criteria provided, single submitter. Criteria: Genomenon Sequence Variant Interpretation Standards. Collection method: curation. Allele origin: germline. Affected: yes.
Comment: ALPL c.562T>C is a missense variant that changes the amino acid at residue 188 from Serine to Proline. This variant has been observed in at least one proband affected with hypophosphatasia (PMID:30083035). It has been observed in trans with a pathogenic variant (PMID:30083035). At least one functional study has demonstrated a substantial alteration in protein function relative to the wild-type (PMID:32160374). It is absent or not present at a significant frequency in gnomAD. In silico models agree that this variant is possibly or probably damaging. In conclusion, we classify ALPL p.Ser188Pro (c.562T>C) as a pathogenic variant.

Literature cited by the submitters: PubMed 30083035; PubMed 32160374.